The following is an entry in ClinVar:

ClinVar aggregate classification (germline): Uncertain significance (1 of 4 stars; one submission).

Allele frequency attached by ClinVar (database versions not stated): gnomAD exomes below 0.00001; TOPMed 0.00001.

Submission:

Labcorp Genetics (formerly Invitae), Labcorp
Classification: Uncertain significance. Last evaluated: 2022-10-25. Review status: criteria provided, single submitter. Criteria: Invitae Variant Classification Sherloc (09022015). Collection method: clinical testing. Allele origin: germline.
Comment: This variant has not been reported in the literature in individuals affected with ADCY5-related conditions. In summary, the available evidence is currently insufficient to determine the role of this variant in disease. Therefore, it has been classified as a Variant of Uncertain Significance. Algorithms developed to predict the effect of missense changes on protein structure and function (SIFT, PolyPhen-2, Align-GVGD) all suggest that this variant is likely to be disruptive. This variant is not present in population databases (gnomAD no frequency). This sequence change replaces serine, which is neutral and polar, with phenylalanine, which is neutral and non-polar, at codon 1081 of the ADCY5 protein (p.Ser1081Phe).

NM_183357.3(ADCY5):c.3242C>T (p.Ser1081Phe)

Gene: ADCY5 (adenylate cyclase 5; minus strand). Cytogenetic location: 3q21.1.
Variant type: single nucleotide variant.
Coding change: c.3242C>T on transcript NM_183357.3 (MANE Select); coding-DNA position 3242, C replaced by T.
Protein change: p.Ser1081Phe; replaces serine 1081 with phenylalanine.
Molecular consequence: missense variant.
Genome position (GRCh38, 1-based): chr3:123,291,198, G>A on the plus strand (C>T on the coding strand, the complement: ADCY5 is on the minus strand). VCF-style: chr3-123291198-G-A. GRCh37 (hg19) VCF-style: chr3-123010045-G-A.
Other names: c.2192C>T, p.Ser731Phe (NM_001199642.1); c.3317C>T, p.Ser1106Phe (NM_001378259.1); short protein forms S1106F, S731F, S1081F.
Identifiers: ClinVar variation 2098672 (VCV002098672.4), dbSNP rs1939124750, ClinGen allele CA354223507.
Genomic context (GRCh38, chr3:123,291,198, plus strand): 5'-TTGAGTAGCCGCAGGCACTCGACACCCTCGTTGTTGGCCTCCAGCTCAACGTAGAACTCG[G>A]AGAAGTTGGCGATGGAGGCGAACATGACCGCCACACACTCACAGGACTGATAGTAGAGCT-3'
Protein context (NP_899200.1, residues 1071-1091): AVMFASIANF[Ser1081Phe]EFYVELEANN